The following is an entry in ClinVar:

NM_001276270.2(MBD4):c.1578_1580del (p.Ile526_Glu527delinsMet)

Gene: MBD4 (methyl-CpG binding domain 4, DNA glycosylase; minus strand). Cytogenetic location: 3q21.3.
Variant type: Deletion.
Coding change: c.1578_1580del on transcript NM_001276270.2 (MANE Select); coding-DNA positions 1578 to 1580, 3 bases deleted (TGA; older notation c.1578_1580delTGA).
Protein change: p.Ile526_Glu527delinsMet.
Molecular consequence: inframe indel.
Genome position (GRCh38, 1-based): chr3:129,432,570-129,432,572, TCA deleted on the plus strand (TGA on the coding strand, the reverse complement: MBD4 is on the minus strand). VCF-style (leftmost placement, unchanged base first): chr3-129432569-CTCA-C. GRCh37 (hg19) VCF-style: chr3-129151412-CTCA-C.
Other names: c.1578_1580delTGA (NM_001276270.2); c.1596_1598del, p.Ile532_Glu533delinsMet (NM_001276272.2, NM_003925.3, NM_001276271.2); c.642_644del, p.Ile214_Glu215delinsMet (NM_001276273.2).
Identifiers: ClinVar variation 4859612 (VCV004859612.1).

ClinVar aggregate classification (germline): Uncertain significance (1 of 4 stars; one submission).

Conditions:
Inborn genetic diseases. Identifiers: MedGen C0950123, MeSH D030342.

Submission:

Ambry Genetics
Classification: Uncertain significance for Inborn genetic diseases. Last evaluated: 2026-05-20. Review status: criteria provided, single submitter. Criteria: Ambry Variant Classification Scheme 2023. Collection method: clinical testing. Allele origin: germline.
Comment: The c.1578_1580delTGA variant (also known as p.I526_E527delinsM), located in coding exon 7 of the MBD4 gene, results from an in-frame deletion of TGA at nucleotide positions 1578 to 1580. This results in the substitution of isoleucine and glutamic acid residues for a methionine residue at codons 526 and 527. This amino acid region is well conserved in available vertebrate species. In addition, this variant is predicted to be deleterious by in silico analysis (Choi Y et al. PLoS ONE. 2012; 7(10):e46688). Based on the available evidence, the clinical significance of this variant remains unclear.